The following is an entry in ClinVar:

NM_007055.4(POLR3A):c.3371A>G (p.Asp1124Gly)

Gene: POLR3A (RNA polymerase III subunit A; minus strand). Cytogenetic location: 10q22.3.
Variant type: single nucleotide variant.
Coding change: c.3371A>G on transcript NM_007055.4 (MANE Select); coding-DNA position 3371, A replaced by G.
Protein change: p.Asp1124Gly; replaces aspartic acid 1124 with glycine.
Molecular consequence: missense variant.
Genome position (GRCh38, 1-based): chr10:77,983,978, T>C on the plus strand (A>G on the coding strand, the complement: POLR3A is on the minus strand). VCF-style: chr10-77983978-T-C. GRCh37 (hg19) VCF-style: chr10-79743736-T-C.
Other names: short protein forms D1124G.
Identifiers: ClinVar variation 1521980 (VCV001521980.36), dbSNP rs1264479928, ClinGen allele CA377329215.

ClinVar aggregate classification (germline): Uncertain significance. Review status: criteria provided, multiple submitters, no conflicts (2 of 4 stars). 2 submissions from 2 submitters: Uncertain significance (2). Last evaluated 2022-06-25.

Allele frequency attached by ClinVar (database versions not stated): gnomAD exomes below 0.00001 and 0.00001.
gnomAD v4.1: 8 of 1,612,846 alleles (0.0005%); highest among the groups gnomAD compares: Admixed American, 0.0017%; no homozygotes.

Submissions (2):

Labcorp Genetics (formerly Invitae), Labcorp
Classification: Uncertain significance. Last evaluated: 2022-06-25. Review status: criteria provided, single submitter. Criteria: Invitae Variant Classification Sherloc (09022015). Collection method: clinical testing. Allele origin: germline.
Comment: In summary, the available evidence is currently insufficient to determine the role of this variant in disease. Therefore, it has been classified as a Variant of Uncertain Significance. Algorithms developed to predict the effect of sequence changes on RNA splicing suggest that this variant may create or strengthen a splice site. Algorithms developed to predict the effect of missense changes on protein structure and function output the following: SIFT: "Tolerated"; PolyPhen-2: "Benign"; Align-GVGD: "Class C0". The glycine amino acid residue is found in multiple mammalian species, which suggests that this missense change does not adversely affect protein function. This variant has not been reported in the literature in individuals affected with POLR3A-related conditions. This variant is present in population databases (no rsID available, gnomAD 0.0009%). This sequence change replaces aspartic acid, which is acidic and polar, with glycine, which is neutral and non-polar, at codon 1124 of the POLR3A protein (p.Asp1124Gly).

CeGaT Center for Human Genetics Tuebingen
Classification: Uncertain significance. Last evaluated: 2022-05-01. Review status: criteria provided, single submitter. Criteria: CeGaT Center For Human Genetics Tuebingen Variant Classification Criteria Version 2. Collection method: clinical testing. Allele origin: germline. Affected: yes. Observed: 1 variant allele.